The following is an entry in ClinVar:

NM_000264.5(PTCH1):c.163T>A (p.Tyr55Asn)

Gene: PTCH1 (patched 1; minus strand). Cytogenetic location: 9q22.32.
Variant type: single nucleotide variant.
Coding change: c.163T>A on transcript NM_000264.5 (MANE Select); coding-DNA position 163, T replaced by A.
Protein change: p.Tyr55Asn; replaces tyrosine 55 with asparagine.
Molecular consequence: missense variant. On other transcripts: non-coding transcript variant (1), intron variant (3).
Genome position (GRCh38, 1-based): chr9:95,508,199, A>T on the plus strand (T>A on the coding strand, the complement: PTCH1 is on the minus strand). VCF-style: chr9-95508199-A-T. GRCh37 (hg19) VCF-style: chr9-98270481-A-T.
Other names: c.163T>A, p.Tyr55Asn (NM_001354918.2); c.199-1600T>A (NM_001083603.3); c.4-1600T>A (NM_001083602.3, NM_001354919.2); short protein forms Y55N.
Identifiers: ClinVar variation 3427262 (VCV003427262.1).

ClinVar aggregate classification (germline): Uncertain significance (1 of 4 stars; one submission).

Conditions:
Hereditary cancer-predisposing syndrome. Also called: Neoplastic Syndromes, Hereditary; Tumor predisposition; Hereditary Cancer Syndrome; Hereditary neoplastic syndrome. Identifiers: Orphanet 140162, MedGen C0027672, MeSH D009386, MONDO:0015356.

gnomAD v4.1: 1 of 1,612,584 alleles (0.000062%); highest among the groups gnomAD compares: Non-Finnish European, 0.000085%; no homozygotes.

Submission:

Ambry Genetics
Classification: Uncertain significance for Hereditary cancer-predisposing syndrome. Last evaluated: 2024-08-18. Review status: criteria provided, single submitter. Criteria: Ambry Variant Classification Scheme 2023. Collection method: clinical testing. Allele origin: germline.
Comment: The p.Y55N variant (also known as c.163T>A), located in coding exon 1 of the PTCH1 gene, results from a T to A substitution at nucleotide position 163. The tyrosine at codon 55 is replaced by asparagine, an amino acid with dissimilar properties. This amino acid position is conserved. In addition, this alteration is predicted to be deleterious by in silico analysis. Based on the available evidence, the clinical significance of this variant remains unclear.